The following is an entry in ClinVar:

ClinVar aggregate classification (germline): Pathogenic (1 of 4 stars; one submission).

Conditions:
Ataxia-telangiectasia syndrome (AT). Also called: ATAXIA-TELANGIECTASIA, COMPLEMENTATION GROUP A; ATAXIA-TELANGIECTASIA, FRESNO VARIANT; LOUIS-BAR SYNDROME; Ataxia-telangiectasia, complementation group D; Ataxia-telangiectasia, complementation group E; Cerebello-oculocutaneous telangiectasia. Identifiers: Orphanet 100, MedGen C0004135, MONDO:0008840, OMIM 208900.

Submission:

Labcorp Genetics (formerly Invitae), Labcorp
Classification: Pathogenic for Ataxia-telangiectasia syndrome. Last evaluated: 2024-06-13. Review status: criteria provided, single submitter. Criteria: Invitae Variant Classification Sherloc (09022015). Collection method: clinical testing. Allele origin: germline.
Comment: This sequence change creates a premature translational stop signal (p.Ile500Argfs*10) in the ATM gene. It is expected to result in an absent or disrupted protein product. Loss-of-function variants in ATM are known to be pathogenic (PMID: 23807571, 25614872). This variant is not present in population databases (gnomAD no frequency). This variant has not been reported in the literature in individuals affected with ATM-related conditions. For these reasons, this variant has been classified as Pathogenic.

Literature cited by the submitters: PubMed 23807571; PubMed 25614872.

NM_000051.4(ATM):c.1499_1515del (p.Ile500fs)

Gene: ATM (ATM serine/threonine kinase; plus strand). Cytogenetic location: 11q22.3.
Variant type: Deletion.
Coding change: c.1499_1515del on transcript NM_000051.4 (MANE Select); coding-DNA positions 1499 to 1515, 17 bases deleted (TACAAGCTGAAAACTTT).
Protein change: p.Ile500fs; shifts the reading frame from isoleucine 500.
Molecular consequence: frameshift variant.
Genome position (GRCh38, 1-based): chr11:108,250,964-108,250,980, TACAAGCTGAAAACTTT deleted. VCF-style (leftmost placement, unchanged base first): chr11-108250963-ATACAAGCTGAAAACTTT-A. GRCh37 (hg19) VCF-style: chr11-108121690-ATACAAGCTGAAAACTTT-A.
Other names: c.1499_1515del, p.Ile500fs (NM_001351834.2); short protein forms I500fs.
Identifiers: ClinVar variation 3650502 (VCV003650502.2).
Genomic context (GRCh38, chr11:108,250,963, plus strand): 5'-TTATTAAAACTCTGGAATAAAATTTGGTGTATTACCTTTCGTGGTATAAGTTCTGAGCAA[ATACAAGCTGAAAACTTT>A]GGCTTACTTGGAGCCATAATTCAGGGTAGTTTAGTTGAGGTTGACAGAGAATTCTGGAAG-3'